The following is an entry in ClinVar:

ClinVar aggregate classification (germline): Likely pathogenic. Review status: criteria provided, multiple submitters, no conflicts (2 of 4 stars). 3 submissions from 2 submitters: Likely pathogenic (3). Last evaluated 2019-02-01.

Conditions:
Abnormal bleeding. Also called: Bleeding diathesis. Identifiers: MedGen C1458140, HP:0001892.
Abnormal platelet aggregation. Identifiers: MedGen C0541767, HP:0030402.
Platelet-type bleeding disorder 18 (BDPLT18). Identifiers: Orphanet 420566, MedGen C4014584, MONDO:0014386, OMIM 615888.

Submissions (3):

NIHR Bioresource Rare Diseases, University of Cambridge
Classification: Likely pathogenic for Abnormal platelet aggregation. Last evaluated: 2019-02-01. Review status: criteria provided, single submitter. Criteria: ACMG Guidelines, 2015. Collection method: research. Allele origin: unknown. Affected: yes. Observed: 1 compound heterozygote, 2 homozygotes. Study: ThromboGenomics.

NIHR Bioresource Rare Diseases, University of Cambridge
Classification: Likely pathogenic for Abnormal bleeding. Last evaluated: 2019-02-01. Review status: criteria provided, single submitter. Criteria: ACMG Guidelines, 2015. Collection method: research. Allele origin: unknown. Affected: yes. Observed: 1 heterozygote. Study: ThromboGenomics.

ISTH-SSC Genomics in Thrombosis and Hemostasis, KU Leuven, Center for Molecular and Vascular Biology
Classification: Likely pathogenic for Platelet-type bleeding disorder 18. Review status: criteria provided, single submitter. Criteria: ACMG Guidelines, 2015. Collection method: clinical testing. Allele origin: germline. Affected: yes. Observed: 1 homozygote.
Comment: Submitted to GoldVariant by Jose María Bastida and José Rivera; Grupo Español de Alteraciones Plaquetarias Congénitas (GEAPC)

Literature cited by the submitters: PubMed 31064749 (cited by NIHR Bioresource Rare Diseases, University of Cambridge); PubMed 28983057 (cited by ISTH-SSC Genomics in Thrombosis and Hemostasis, KU Leuven, Center for Molecular and Vascular Biology).

NM_001098671.2(RASGRP2):c.914G>A (p.Gly305Asp)

Gene: RASGRP2 (RAS guanyl releasing protein 2; minus strand). Cytogenetic location: 11q13.1.
Variant type: single nucleotide variant.
Coding change: c.914G>A on transcript NM_001098671.2 (MANE Select); coding-DNA position 914, G replaced by A.
Protein change: p.Gly305Asp; replaces glycine 305 with aspartic acid.
Molecular consequence: missense variant.
Genome position (GRCh38, 1-based): chr11:64,736,934, C>T on the plus strand (G>A on the coding strand, the complement: RASGRP2 is on the minus strand). VCF-style: chr11-64736934-C-T. GRCh37 (hg19) VCF-style: chr11-64504406-C-T.
Other names: c.914G>A, p.Gly305Asp (NM_001098670.2, NM_153819.2); c.479G>A, p.Gly160Asp (NM_001318398.2); short protein forms G305D, G160D.
Identifiers: ClinVar variation 627184 (VCV000627184.3), dbSNP rs1592371840, ClinGen allele CA381142098.